The following is an entry in ClinVar:

NM_006846.4(SPINK5):c.2849A>G (p.Tyr950Cys)

Gene: SPINK5 (serine peptidase inhibitor Kazal type 5; plus strand). Cytogenetic location: 5q32.
Variant type: single nucleotide variant.
Coding change: c.2849A>G on transcript NM_006846.4 (MANE Select); coding-DNA position 2849, A replaced by G.
Protein change: p.Tyr950Cys; replaces tyrosine 950 with cysteine.
Molecular consequence: missense variant.
Genome position (GRCh38, 1-based): chr5:148,125,832, A>G. VCF-style: chr5-148125832-A-G. GRCh37 (hg19) VCF-style: chr5-147505395-A-G.
Other names: c.2939A>G, p.Tyr980Cys (NM_001127698.2); short protein forms Y950C, Y980C.
Identifiers: ClinVar variation 1038101 (VCV001038101.2), dbSNP rs188030639, ClinGen allele CA3496154.
Genomic context (GRCh38, chr5:148,125,832, plus strand): 5'-GCCCTAGAGAGAATGACCCAGTGCACGGTGCTGATGGAAAGTTCTATACAAACAAGTGCT[A>G]CATGTGCAGAGCTGTCTTGTGAGTAAGAGGATTCTGCTCCCCCTGTAGCTAGCAGGGGAA-3'
Protein context (NP_006837.2, residues 940-960): ADGKFYTNKC[Tyr950Cys]MCRAVFLTEA

ClinVar aggregate classification (germline): Uncertain significance (1 of 4 stars; one submission).

Conditions:
Netherton syndrome (NETH). Also called: ERYTHRODERMA, ICHTHYOSIFORM, WITH HYPOTRICHOSIS AND HYPER-IgE; COMEL-NETHERTON SYNDROME; NETHERTON DISEASE. Identifiers: Orphanet 634, MedGen C5574950, MONDO:0009735, OMIM 256500.

Allele frequency attached by ClinVar (database versions not stated): gnomAD 0.00001; TOPMed 0.00001; gnomAD exomes 0.00002 and 0.00003; ExAC 0.00005; 1000 Genomes Project 30x 0.00016; 1000 Genomes Project 0.00020.
gnomAD v4.1: 24 of 1,614,222 alleles (0.0015%); highest among the groups gnomAD compares: East Asian, 0.053%; no homozygotes.

Submission:

Labcorp Genetics (formerly Invitae), Labcorp
Classification: Uncertain significance for Ichthyosis linearis circumflexa. Last evaluated: 2022-01-28. Review status: criteria provided, single submitter. Criteria: Invitae Variant Classification Sherloc (09022015). Collection method: clinical testing. Allele origin: germline.
Comment: This sequence change replaces tyrosine, which is neutral and polar, with cysteine, which is neutral and slightly polar, at codon 950 of the SPINK5 protein (p.Tyr950Cys). This variant is present in population databases (rs188030639, gnomAD 0.04%). This variant has not been reported in the literature in individuals affected with SPINK5-related conditions. ClinVar contains an entry for this variant (Variation ID: 1038101). Algorithms developed to predict the effect of missense changes on protein structure and function are either unavailable or do not agree on the potential impact of this missense change (SIFT: "Tolerated"; PolyPhen-2: "Possibly Damaging"; Align-GVGD: "Class C0"). In summary, the available evidence is currently insufficient to determine the role of this variant in disease. Therefore, it has been classified as a Variant of Uncertain Significance.